The following is an entry in ClinVar:

ClinVar aggregate classification (germline): Pathogenic (1 of 4 stars; one submission).

Conditions:
Familial cancer of breast. Also called: Hereditary breast cancer; BREAST CANCER, FAMILIAL; hereditary breast carcinoma. Identifiers: Orphanet 227535, MedGen C0346153, MONDO:0016419, OMIM 114480. Disease mechanism: loss of function.

Submission:

Myriad Genetics, Inc.
Classification: Pathogenic for Familial cancer of breast. Last evaluated: 2023-06-27. Review status: criteria provided, single submitter. Criteria: Myriad Autosomal Dominant, Autosomal Recessive and X-Linked Classification Criteria (2023). Collection method: clinical testing. Allele origin: unknown.
Comment: This variant is considered pathogenic. This variant creates a termination codon and is predicted to result in premature protein truncation.

NM_007194.4(CHEK2):c.986dup (p.Tyr329Ter)

Gene: CHEK2 (checkpoint kinase 2; minus strand). Cytogenetic location: 22q12.1.
Variant type: Duplication.
Coding change: c.986dup on transcript NM_007194.4 (MANE Select); coding-DNA position 986, one base duplicated (A; older notation c.986dupA).
Protein change: p.Tyr329Ter; replaces tyrosine 329 with a stop codon.
Molecular consequence: nonsense. On other transcripts: frameshift variant (4).
Genome position (GRCh38, 1-based): chr22:28,699,860, T duplicated on the plus strand (A on the coding strand, the reverse complement: CHEK2 is on the minus strand). VCF-style (leftmost placement, unchanged base first): chr22-28699859-G-GT. GRCh37 (hg19) VCF-style: chr22-29095847-G-GT.
Other names: c.1115dup, p.Tyr372Terfs (NM_001005735.3); c.323dup, p.Tyr108Terfs (NM_001257387.3); c.785dup, p.Tyr262Terfs (NM_001349956.3); c.986dup, p.Tyr329Terfs (NM_145862.3); short protein forms Y108*, Y262*, Y329*, Y372*.
Identifiers: ClinVar variation 2583351 (VCV002583351.2), dbSNP rs2517847956, ClinGen allele CA2582342815.